The following is an entry in ClinVar:

ClinVar aggregate classification (germline): Uncertain significance (1 of 4 stars; one submission).

Allele frequency attached by ClinVar (database versions not stated): ExAC 0.00002; gnomAD exomes 0.00002; gnomAD 0.00004; TOPMed 0.00005; ESP Exome Variant Server 0.00008.
gnomAD v4.1: 42 of 1,613,726 alleles (0.0026%); highest among the groups gnomAD compares: South Asian, 0.012%; no homozygotes.

Submission:

Labcorp Genetics (formerly Invitae), Labcorp
Classification: Uncertain significance. Last evaluated: 2023-07-29. Review status: criteria provided, single submitter. Criteria: Invitae Variant Classification Sherloc (09022015). Collection method: clinical testing. Allele origin: germline.
Comment: In summary, the available evidence is currently insufficient to determine the role of this variant in disease. Therefore, it has been classified as a Variant of Uncertain Significance. Advanced modeling of protein sequence and biophysical properties (such as structural, functional, and spatial information, amino acid conservation, physicochemical variation, residue mobility, and thermodynamic stability) performed at Invitae indicates that this missense variant is not expected to disrupt COL10A1 protein function. This variant has not been reported in the literature in individuals affected with COL10A1-related conditions. This variant is present in population databases (rs143861633, gnomAD 0.007%). This sequence change replaces proline, which is neutral and non-polar, with leucine, which is neutral and non-polar, at codon 149 of the COL10A1 protein (p.Pro149Leu).

NM_000493.4(COL10A1):c.446C>T (p.Pro149Leu)

Genes: COL10A1 (collagen type X alpha 1 chain; minus strand), NT5DC1 (5'-nucleotidase domain containing 1; plus strand). Cytogenetic location: 6q22.1.
Variant type: single nucleotide variant.
Coding change: c.446C>T on transcript NM_000493.4 (MANE Select); coding-DNA position 446, C replaced by T.
Protein change: p.Pro149Leu; replaces proline 149 with leucine.
Molecular consequence: missense variant. On other transcripts: intron variant (1).
Genome position (GRCh38, 1-based): chr6:116,121,670, G>A on the plus strand (C>T on the coding strand, the complement: COL10A1 is on the minus strand). VCF-style: chr6-116121670-G-A. GRCh37 (hg19) VCF-style: chr6-116442833-G-A.
Other names: c.446C>T, p.Pro149Leu (NM_001424106.1, NM_001424107.1); c.529+3725G>A (NM_152729.3); short protein forms P149L.
Identifiers: ClinVar variation 2894523 (VCV002894523.3), dbSNP rs143861633, ClinGen allele CA3968395.
Genomic context (GRCh38, chr6:116,121,670, plus strand): 5'-GGTCCTGGGGCTCCTGTGGGTCCCTGTTGTCCAGGTTTTCCTGGCACAGAAATTCCAGCC[G>A]GTCCAGGGATTCCAGGTGGTCCTGGTGGGCCCCGGGGTCCTGGTAGGCCAGCTGGTCCAA-3'
Protein context (NP_000484.2, residues 139-159): GPPGPPGIPG[Pro149Leu]AGISVPGKPG